The following is an entry in ClinVar:

NM_000059.4(BRCA2):c.7622A>G (p.Tyr2541Cys)

Gene: BRCA2 (BRCA2 DNA repair associated; plus strand). Cytogenetic location: 13q13.1.
Variant type: single nucleotide variant.
Coding change: c.7622A>G on transcript NM_000059.4 (MANE Select); coding-DNA position 7622, A replaced by G.
Protein change: p.Tyr2541Cys; replaces tyrosine 2541 with cysteine.
Molecular consequence: missense variant.
Genome position (GRCh38, 1-based): chr13:32,357,746, A>G. VCF-style: chr13-32357746-A-G. GRCh37 (hg19) VCF-style: chr13-32931883-A-G.
Other names: short protein forms Y2541C.
Identifiers: ClinVar variation 571218 (VCV000571218.15), dbSNP rs1566242642, ClinGen allele CA387744768.

ClinVar aggregate classification (germline): Uncertain significance. Review status: criteria provided, multiple submitters, no conflicts (2 of 4 stars). 5 submissions from 5 submitters: Uncertain significance (5). Last evaluated 2025-12-12.

Conditions:
Hereditary cancer-predisposing syndrome. Also called: Hereditary neoplastic syndrome; Tumor predisposition; Neoplastic Syndromes, Hereditary; Hereditary Cancer Syndrome. Identifiers: Orphanet 140162, MedGen C0027672, MeSH D009386, MONDO:0015356.
Hereditary breast ovarian cancer syndrome. Also called: Hereditary breast and ovarian cancer syndrome; Breast and ovarian cancer; Hereditary breast and ovarian cancer; Hereditary breast and/or ovarian cancer syndrome; Hereditary breast and ovarian cancer syndrome (HBOC); BRCA1- and BRCA2-Associated Hereditary Breast and Ovarian Cancer. Identifiers: Orphanet 145, MedGen C0677776, MeSH D061325, MONDO:0003582. Disease mechanism: loss of function.
Familial cancer of breast. Also called: hereditary breast carcinoma; BREAST CANCER, FAMILIAL; Hereditary breast cancer. Identifiers: Orphanet 227535, MedGen C0346153, MONDO:0016419, OMIM 114480. Disease mechanism: loss of function.

Submissions (5):

Labcorp Genetics (formerly Invitae), Labcorp
Classification: Uncertain significance for Hereditary breast ovarian cancer syndrome. Last evaluated: 2025-12-12. Review status: criteria provided, single submitter. Criteria: Invitae Variant Classification Sherloc (09022015). Collection method: clinical testing. Allele origin: germline.
Comment: This sequence change replaces tyrosine, which is neutral and polar, with cysteine, which is neutral and slightly polar, at codon 2541 of the BRCA2 protein (p.Tyr2541Cys). This variant is not present in population databases (gnomAD no frequency). This variant has not been reported in the literature in individuals affected with BRCA2-related conditions. ClinVar contains an entry for this variant (Variation ID: 571218). Invitae Evidence Modeling of protein sequence and biophysical properties (such as structural, functional, and spatial information, amino acid conservation, physicochemical variation, residue mobility, and thermodynamic stability) indicates that this missense variant is not expected to disrupt BRCA2 protein function with a negative predictive value of 95%. In summary, the available evidence is currently insufficient to determine the role of this variant in disease. Therefore, it has been classified as a Variant of Uncertain Significance.

Baylor Genetics
Classification: Uncertain significance for Familial cancer of breast. Last evaluated: 2024-03-12. Review status: criteria provided, single submitter. Criteria: ACMG Guidelines, 2015. Collection method: clinical testing. Allele origin: unknown.

Women's Health and Genetics/Laboratory Corporation of America, LabCorp
Classification: Uncertain significance. Last evaluated: 2021-04-23. Review status: criteria provided, single submitter. Criteria: LabCorp Variant Classification Summary - May 2015. Collection method: clinical testing. Allele origin: germline.
Comment: Variant summary: BRCA2 c.7622A>G (p.Tyr2541Cys) results in a non-conservative amino acid change located in the Breast cancer type 2 susceptibility protein, helical domain (IPR015252) of the encoded protein sequence. Five of five in-silico tools predict a damaging effect of the variant on protein function. The variant was absent in 250612 control chromosomes. The available data on variant occurrences in the general population are insufficient to allow any conclusion about variant significance. To our knowledge, no occurrence of c.7622A>G in individuals affected with Hereditary Breast And Ovarian Cancer Syndrome and no experimental evidence demonstrating its impact on protein function have been reported. Two clinical diagnostic laboratories have submitted clinical-significance assessments for this variant to ClinVar after 2014 without evidence for independent evaluation. All laboratories classified the variant as uncertain significance. Based on the evidence outlined above, the variant was classified as uncertain significance.

Ambry Genetics
Classification: Uncertain significance for Hereditary cancer-predisposing syndrome. Last evaluated: 2020-12-14. Review status: criteria provided, single submitter. Criteria: Ambry Variant Classification Scheme 2023. Collection method: clinical testing. Allele origin: germline.
Comment: The p.Y2541C variant (also known as c.7622A>G), located in coding exon 15 of the BRCA2 gene, results from an A to G substitution at nucleotide position 7622. The tyrosine at codon 2541 is replaced by cysteine, an amino acid with highly dissimilar properties. This amino acid position is well conserved in available vertebrate species. In addition, the in silico prediction for this alteration is inconclusive. Since supporting evidence is limited at this time, the clinical significance of this alteration remains unclear.

Mendelics
Classification: Uncertain significance for Hereditary breast and ovarian cancer syndrome. Last evaluated: 2018-07-02. Review status: criteria provided, single submitter. Criteria: Mendelics Assertion Criteria 2017. Collection method: clinical testing. Allele origin: unknown.